The following is an entry in ClinVar:

ClinVar aggregate classification (germline): Pathogenic (1 of 4 stars; one submission).

Submission:

CeGaT Center for Human Genetics Tuebingen
Classification: Pathogenic. Last evaluated: 2026-02-01. Review status: criteria provided, single submitter. Criteria: CeGaT Center For Human Genetics Tuebingen Variant Classification Criteria Version 2. Collection method: clinical testing. Allele origin: germline. Affected: yes. Observed: 1 variant allele.
Comment: PSMD12: PVS1, PM2, PS2:Moderate

NM_002816.5(PSMD12):c.286C>T (p.Gln96Ter)

Gene: PSMD12 (proteasome 26S subunit, non-ATPase 12; minus strand). Cytogenetic location: 17q24.2.
Variant type: single nucleotide variant.
Coding change: c.286C>T on transcript NM_002816.5 (MANE Select); coding-DNA position 286, C replaced by T.
Protein change: p.Gln96Ter; replaces glutamine 96 with a stop codon.
Molecular consequence: nonsense.
Genome position (GRCh38, 1-based): chr17:67,357,314, G>A on the plus strand (C>T on the coding strand, the complement: PSMD12 is on the minus strand). VCF-style: chr17-67357314-G-A. GRCh37 (hg19) VCF-style: chr17-65353430-G-A.
Other names: c.109C>T, p.Gln37Ter (NM_001316341.2); c.226C>T, p.Gln76Ter (NM_174871.4); short protein forms Q37*, Q76*, Q96*.
Identifiers: ClinVar variation 4823452 (VCV004823452.4).